The following is an entry in ClinVar:

ClinVar aggregate classification (germline): Uncertain significance (1 of 4 stars; one submission).

Submission:

GeneDx
Classification: Uncertain significance. Last evaluated: 2023-11-10. Review status: criteria provided, single submitter. Criteria: GeneDx Variant Classification Process June 2021. Collection method: clinical testing. Allele origin: germline. Affected: yes.
Comment: Has been reported in an individual with Marfan syndrome (PMID: 27906200); Not observed at significant frequency in large population cohorts (gnomAD); In silico analysis supports that this missense variant has a deleterious effect on protein structure/function; Although located in a calcium-binding EGF-like domain of the FBN1 gene, it does not affect a cysteine residue within this domain; cysteine substitutions in the calcium-binding EGF-like domains represent the majority of pathogenic missense changes associated with FBN1-related disorders (PMID: 12938084); This variant is associated with the following publications: (PMID: 27906200, 12938084)

NM_000138.5(FBN1):c.5495G>C (p.Arg1832Pro)

Gene: FBN1 (fibrillin 1; minus strand). Cytogenetic location: 15q21.1.
Variant type: single nucleotide variant.
Coding change: c.5495G>C on transcript NM_000138.5 (MANE Select); coding-DNA position 5495, G replaced by C.
Protein change: p.Arg1832Pro; replaces arginine 1832 with proline.
Molecular consequence: missense variant.
Genome position (GRCh38, 1-based): chr15:48,452,612, C>G on the plus strand (G>C on the coding strand, the complement: FBN1 is on the minus strand). VCF-style: chr15-48452612-C-G. GRCh37 (hg19) VCF-style: chr15-48744809-C-G.
Other names: c.5495G>C, p.Arg1832Pro (NM_001406716.1); short protein forms R1832P.
Identifiers: ClinVar variation 3340395 (VCV003340395.1).